The following is an entry in ClinVar:

ClinVar aggregate classification (germline): Uncertain significance (1 of 4 stars; one submission).

Conditions:
Dilated cardiomyopathy 1KK (CMD1KK). Identifiers: Orphanet 154, Orphanet 75249, MedGen C3714995, MONDO:0014100, OMIM 615248.

Submission:

Labcorp Genetics (formerly Invitae), Labcorp
Classification: Uncertain significance for Dilated cardiomyopathy 1KK. Last evaluated: 2020-02-15. Review status: criteria provided, single submitter. Criteria: Invitae Variant Classification Sherloc (09022015). Collection method: clinical testing. Allele origin: germline.
Comment: This variant is not present in population databases (ExAC no frequency). This sequence change replaces isoleucine with methionine at codon 1271 of the MYPN protein (p.Ile1271Met). The isoleucine residue is moderately conserved and there is a small physicochemical difference between isoleucine and methionine. This variant has not been reported in the literature in individuals with a MYPN-related disease. Algorithms developed to predict the effect of missense changes on protein structure and function do not agree on the potential impact of this missense change (SIFT: "Deleterious"; PolyPhen-2: "Possibly Damaging"; Align-GVGD: "Class C0"). In summary, this variant has uncertain impact on MYPN function. The available evidence is currently insufficient to determine its role in disease. Therefore, it has been classified as a Variant of Uncertain Significance.

NM_032578.4(MYPN):c.3813C>G (p.Ile1271Met)

Gene: MYPN (myopalladin; plus strand). Cytogenetic location: 10q21.3.
Variant type: single nucleotide variant.
Coding change: c.3813C>G on transcript NM_032578.4 (MANE Select); coding-DNA position 3813, C replaced by G.
Protein change: p.Ile1271Met; replaces isoleucine 1271 with methionine.
Molecular consequence: missense variant. On other transcripts: non-coding transcript variant (2).
Genome position (GRCh38, 1-based): chr10:68,210,305, C>G. VCF-style: chr10-68210305-C-G. GRCh37 (hg19) VCF-style: chr10-69970062-C-G.
Other names: c.3813C>G, p.Ile1271Met (NM_001256267.2); c.2931C>G, p.Ile977Met (NM_001256268.2); short protein forms I1271M, I977M.
Identifiers: ClinVar variation 477762 (VCV000477762.8), dbSNP rs777067913, ClinGen allele CA376829875.